The following is an entry in ClinVar:

NM_000037.4(ANK1):c.3328-14_3336del

Gene: ANK1 (ankyrin 1; minus strand). Cytogenetic location: 8p11.21.
Variant type: Deletion.
Coding change: c.3328-14_3336del on transcript NM_000037.4 (MANE Select); 14 bases into the intron before coding-DNA position 3328 through coding-DNA position 3336, 23 bases deleted (CTGTCATTTCACAGGCCCAGCCT).
Molecular consequence: splice acceptor variant.
Genome position (GRCh38, 1-based): chr8:41,694,094-41,694,116, AGGCTGGGCCTGTGAAATGACAG deleted on the plus strand (CTGTCATTTCACAGGCCCAGCCT on the coding strand, the reverse complement: ANK1 is on the minus strand); deleting any 23 consecutive bases within chr8:41,694,094-41,694,120 gives the same sequence; the c. name uses the placement nearest the transcript's 3' end. VCF-style (leftmost placement, unchanged base first): chr8-41694093-CAGGCTGGGCCTGTGAAATGACAG-C. GRCh37 (hg19) VCF-style: chr8-41551611-CAGGCTGGGCCTGTGAAATGACAG-C.
Other names: p.?; c.3451-14_3459del (NM_001142446.2); c.3328-14_3336del (NM_020477.3, NM_020475.3, NM_020476.3).
Identifiers: ClinVar variation 3381036 (VCV003381036.1).

ClinVar aggregate classification (germline): Likely pathogenic (1 of 4 stars; one submission).

Submission:

Mayo Clinic Laboratories, Mayo Clinic
Classification: Likely pathogenic. Last evaluated: 2024-01-26. Review status: criteria provided, single submitter. Criteria: ACMG Guidelines, 2015. Collection method: clinical testing. Allele origin: germline. Observed: 1 variant allele.
Comment: PM2_moderate, PVS1